The following is an entry in ClinVar:

ClinVar aggregate classification (germline): Uncertain significance. Review status: criteria provided, multiple submitters, no conflicts (2 of 4 stars). 2 submissions from 2 submitters: Uncertain significance (2). Last evaluated 2025-05-01.

Conditions:
Inborn genetic diseases. Identifiers: MedGen C0950123, MeSH D030342.

Allele frequency attached by ClinVar (database versions not stated): gnomAD exomes below 0.00001; TOPMed below 0.00001; gnomAD 0.00001.
gnomAD v4.1: 7 of 1,613,964 alleles (0.00043%); highest among the groups gnomAD compares: South Asian, 0.0022%; no homozygotes.

Submissions (2):

CeGaT Center for Human Genetics Tuebingen
Classification: Uncertain significance. Last evaluated: 2025-05-01. Review status: criteria provided, single submitter. Criteria: CeGaT Center For Human Genetics Tuebingen Variant Classification Criteria Version 2. Collection method: clinical testing. Allele origin: germline. Affected: yes. Observed: 2 variant alleles.
Comment: ANK3: PM2

Ambry Genetics
Classification: Uncertain significance for Inborn genetic diseases. Last evaluated: 2024-10-04. Review status: criteria provided, single submitter. Criteria: Ambry Variant Classification Scheme 2023. Collection method: clinical testing. Allele origin: germline.

NM_020987.5(ANK3):c.652G>A (p.Ala218Thr)

Gene: ANK3 (ankyrin 3; minus strand). Cytogenetic location: 10q21.2.
Variant type: single nucleotide variant.
Coding change: c.652G>A on transcript NM_020987.5 (MANE Select); coding-DNA position 652, G replaced by A.
Protein change: p.Ala218Thr; replaces alanine 218 with threonine.
Molecular consequence: missense variant.
Genome position (GRCh38, 1-based): chr10:60,263,882, C>T on the plus strand (G>A on the coding strand, the complement: ANK3 is on the minus strand). VCF-style: chr10-60263882-C-T. GRCh37 (hg19) VCF-style: chr10-62023640-C-T.
Other names: c.634G>A, p.Ala212Thr (NM_001204403.2); c.601G>A, p.Ala201Thr (NM_001204404.2); c.652G>A, p.Ala218Thr (NM_001320874.2); c.652G>A (NM_020987.3); short protein forms A201T, A212T, A218T.
Identifiers: ClinVar variation 3239350 (VCV003239350.20), dbSNP rs1429902701.